The following is an entry in ClinVar:

ClinVar aggregate classification (germline): Uncertain significance. Review status: criteria provided, multiple submitters, no conflicts (2 of 4 stars). 3 submissions from 3 submitters: Uncertain significance (3). Last evaluated 2025-12-24.

Conditions:
Hereditary cancer-predisposing syndrome. Also called: Tumor predisposition; Hereditary neoplastic syndrome; Neoplastic Syndromes, Hereditary; Hereditary Cancer Syndrome. Identifiers: Orphanet 140162, MedGen C0027672, MeSH D009386, MONDO:0015356.
Polyps, multiple and recurrent inflammatory fibroid, gastrointestinal. Identifiers: MedGen C5193005, MONDO:0008285, OMIM 175510.
Gastrointestinal stromal tumor. Also called: Gastrointestinal stroma tumor; Gastrointestinal stromal tumor, somatic. Identifiers: Orphanet 44890, MedGen C0238198, MeSH D046152, MONDO:0011719, OMIM 606764, HP:0100723.

Allele frequency attached by ClinVar (database versions not stated): gnomAD exomes below 0.00001; gnomAD 0.00001; TOPMed 0.00003.
gnomAD v4.1: 4 of 1,614,068 alleles (0.00025%); highest among the groups gnomAD compares: African/African-American, 0.0013%; no homozygotes.

Submissions (3):

Labcorp Genetics (formerly Invitae), Labcorp
Classification: Uncertain significance for Gastrointestinal stromal tumor. Last evaluated: 2025-12-24. Review status: criteria provided, single submitter. Criteria: Invitae Variant Classification Sherloc (09022015). Collection method: clinical testing. Allele origin: germline.
Comment: This sequence change replaces histidine, which is basic and polar, with tyrosine, which is neutral and polar, at codon 330 of the PDGFRA protein (p.His330Tyr). This variant is present in population databases (no rsID available, gnomAD 0.004%). This variant has not been reported in the literature in individuals affected with PDGFRA-related conditions. ClinVar contains an entry for this variant (Variation ID: 459134). Invitae Evidence Modeling of protein sequence and biophysical properties (such as structural, functional, and spatial information, amino acid conservation, physicochemical variation, residue mobility, and thermodynamic stability) indicates that this missense variant is not expected to disrupt PDGFRA protein function with a negative predictive value of 80%. In summary, the available evidence is currently insufficient to determine the role of this variant in disease. Therefore, it has been classified as a Variant of Uncertain Significance.

Ambry Genetics
Classification: Uncertain significance for Hereditary cancer-predisposing syndrome. Last evaluated: 2025-12-07. Review status: criteria provided, single submitter. Criteria: Ambry Variant Classification Scheme 2023. Collection method: clinical testing. Allele origin: germline.
Comment: The p.H330Y variant (also known as c.988C>T), located in coding exon 6 of the PDGFRA gene, results from a C to T substitution at nucleotide position 988. The histidine at codon 330 is replaced by tyrosine, an amino acid with similar properties. This amino acid position is highly conserved in available vertebrate species. In addition, this alteration is predicted to be tolerated by in silico analysis. Since supporting evidence is limited at this time, the clinical significance of this alteration remains unclear.

Baylor Genetics
Classification: Uncertain significance for Polyps, multiple and recurrent inflammatory fibroid, gastrointestinal. Last evaluated: 2023-06-29. Review status: criteria provided, single submitter. Criteria: ACMG Guidelines, 2015. Collection method: clinical testing. Allele origin: unknown.

NM_006206.6(PDGFRA):c.988C>T (p.His330Tyr)

Gene: PDGFRA (platelet derived growth factor receptor alpha; plus strand). Cytogenetic location: 4q12.
Variant type: single nucleotide variant.
Coding change: c.988C>T on transcript NM_006206.6 (MANE Select); coding-DNA position 988, C replaced by T.
Protein change: p.His330Tyr; replaces histidine 330 with tyrosine.
Molecular consequence: missense variant.
Genome position (GRCh38, 1-based): chr4:54,267,608, C>T. VCF-style: chr4-54267608-C-T. GRCh37 (hg19) VCF-style: chr4-55133775-C-T.
Other names: c.988C>T, p.His330Tyr (NM_001347827.2, NM_001347829.2); c.1063C>T, p.His355Tyr (NM_001347828.2); c.1027C>T, p.His343Tyr (NM_001347830.2); short protein forms H330Y, H343Y, H355Y.
Identifiers: ClinVar variation 459134 (VCV000459134.13), dbSNP rs991683337, ClinGen allele CA96852205.
Genomic context (GRCh38, chr4:54,267,608, plus strand): 5'-ACAGAGAAAGGTTTCATTGAAATCAAACCCACCTTCAGCCAGTTGGAAGCTGTCAACCTG[C>T]ATGAAGTCAAACATTTTGTTGTAGAGGTGCGGGCCTACCCACCTCCCAGGATATCCTGGC-3'
Protein context (NP_006197.1, residues 320-340): TFSQLEAVNL[His330Tyr]EVKHFVVEVR